The following is an entry in ClinVar:

ClinVar aggregate classification (germline): Benign. Review status: criteria provided, multiple submitters, no conflicts (2 of 4 stars). 3 submissions from 3 submitters: Benign (2). 1 of the submissions does not count toward it. Last evaluated 2019-12-31.

Conditions:
DNHD1-related disorder. Also called: DNHD1-related condition.

Allele frequency attached by ClinVar (database versions not stated): gnomAD exomes 0.00042 and 0.00096; ExAC 0.00196; gnomAD 0.00482 and 0.00516; 1000 Genomes Project 0.00539; TOPMed 0.00547; 1000 Genomes Project 30x 0.00625; ESP Exome Variant Server 0.00701.
gnomAD v4.1: 1,364 of 1,551,680 alleles (0.088%); highest among the groups gnomAD compares: African/African-American, 1.6%; 12 homozygotes.

Submissions (3):

Labcorp Genetics (formerly Invitae), Labcorp
Classification: Benign. Last evaluated: 2019-12-31. Review status: criteria provided, single submitter. Criteria: Invitae Variant Classification Sherloc (09022015). Collection method: clinical testing. Allele origin: germline.

Breakthrough Genomics
Classification: Benign. Review status: criteria provided, single submitter. Criteria: ACMG Guidelines, 2015. Collection method: not provided. Allele origin: germline. Inheritance: Autosomal recessive inheritance. Affected: yes.

PreventionGenetics, part of Exact Sciences
Classification: Benign for DNHD1-related condition. Last evaluated: 2019-08-22. Review status: no assertion criteria provided. Collection method: clinical testing. Allele origin: germline. Not counted in ClinVar's aggregate classification.
Comment: This variant is classified as benign based on ACMG/AMP sequence variant interpretation guidelines (Richards et al. 2015 PMID: 25741868, with internal and published modifications).

NM_144666.3(DNHD1):c.9639G>A (p.Leu3213=)

Gene: DNHD1 (dynein heavy chain domain 1; plus strand). Cytogenetic location: 11p15.4.
Variant type: single nucleotide variant.
Coding change: c.9639G>A on transcript NM_144666.3 (MANE Select); coding-DNA position 9639, G replaced by A.
Protein change: p.Leu3213=; no amino-acid change (leucine 3213 retained).
Molecular consequence: synonymous variant.
Genome position (GRCh38, 1-based): chr11:6,563,101, G>A. VCF-style: chr11-6563101-G-A. GRCh37 (hg19) VCF-style: chr11-6584331-G-A.
Identifiers: ClinVar variation 724239 (VCV000724239.7), dbSNP rs145612158, ClinGen allele CA5856410.